The following is an entry in ClinVar:

NM_133497.4(KCNV2):c.885C>T (p.Gly295=)

Gene: KCNV2 (potassium voltage-gated channel modifier subfamily V member 2; plus strand). Cytogenetic location: 9p24.2.
Variant type: single nucleotide variant.
Coding change: c.885C>T on transcript NM_133497.4 (MANE Select); coding-DNA position 885, C replaced by T.
Protein change: p.Gly295=; no amino-acid change (glycine 295 retained).
Molecular consequence: synonymous variant.
Genome position (GRCh38, 1-based): chr9:2,718,624, C>T. VCF-style: chr9-2718624-C-T. GRCh37 (hg19) VCF-style: chr9-2718624-C-T.
Other names: c.885C>T (NM_133497.3).
Identifiers: ClinVar variation 1087916 (VCV001087916.11), dbSNP rs748776845, ClinGen allele CA4965666.

ClinVar aggregate classification (germline): Likely benign. Review status: criteria provided, multiple submitters, no conflicts (2 of 4 stars). 3 submissions from 3 submitters: Likely benign (3). Last evaluated 2025-03-10.

Conditions:
KCNV2-related disorder. Also called: KCNV2-related condition.

Allele frequency attached by ClinVar (database versions not stated): gnomAD exomes 0.00001; ExAC 0.00002; gnomAD 0.00003; TOPMed 0.00004.
gnomAD v4.1: 12 of 1,612,980 alleles (0.00074%); highest among the groups gnomAD compares: African/African-American, 0.012%; no homozygotes.

Submissions (3):

PreventionGenetics, part of Exact Sciences
Classification: Likely benign for KCNV2-related condition. Last evaluated: 2025-03-10. Review status: criteria provided, single submitter. Criteria: ACMG Guidelines, 2015. Collection method: clinical testing. Allele origin: germline.
Comment: This variant is classified as likely benign based on ACMG/AMP sequence variant interpretation guidelines (Richards et al. 2015 PMID: 25741868, with internal and published modifications).

Labcorp Genetics (formerly Invitae), Labcorp
Classification: Likely benign. Last evaluated: 2024-10-16. Review status: criteria provided, single submitter. Criteria: Invitae Variant Classification Sherloc (09022015). Collection method: clinical testing. Allele origin: germline.

Blueprint Genetics
Classification: Likely benign. Last evaluated: 2021-08-13. Review status: criteria provided, single submitter. Criteria: ACMG Guidelines, 2015. Collection method: clinical testing. Allele origin: germline.